The following is an entry in ClinVar:

ClinVar aggregate classification (germline): Uncertain significance. Review status: criteria provided, multiple submitters, no conflicts (2 of 4 stars). 3 submissions from 3 submitters: Uncertain significance (3). Last evaluated 2024-11-26.

Conditions:
Epilepsy, childhood absence, susceptibility to, 6. Identifiers: Orphanet 64280, MedGen C2749872, MONDO:0012763, OMIM 611942.
Hyperaldosteronism, familial, type IV (HALD4). Also called: FH IV; ALDOSTERONISM, PRIMARY, AND HYPERTENSION. Identifiers: Orphanet 642671, MedGen C4310756, MONDO:0014875, OMIM 617027.
Idiopathic generalized epilepsy. Also called: EIG; Generalised epilepsy. Identifiers: MedGen C0270850, MONDO:0005579, OMIM 600669.
Inborn genetic diseases. Identifiers: MedGen C0950123, MeSH D030342.

Allele frequency attached by ClinVar (database versions not stated): gnomAD 0.00001; gnomAD exomes 0.00001; TOPMed 0.00002.
gnomAD v4.1: 11 of 1,543,402 alleles (0.00071%); highest among the groups gnomAD compares: African/African-American, 0.0014%; no homozygotes.

Submissions (3):

Ambry Genetics
Classification: Uncertain significance for Inborn genetic diseases. Last evaluated: 2024-11-26. Review status: criteria provided, single submitter. Criteria: Ambry Variant Classification Scheme 2023. Collection method: clinical testing. Allele origin: germline.

Labcorp Genetics (formerly Invitae), Labcorp
Classification: Uncertain significance for Idiopathic generalized epilepsy; Hyperaldosteronism, familial, type IV. Last evaluated: 2022-07-18. Review status: criteria provided, single submitter. Criteria: Invitae Variant Classification Sherloc (09022015). Collection method: clinical testing. Allele origin: germline.
Comment: In summary, the available evidence is currently insufficient to determine the role of this variant in disease. Therefore, it has been classified as a Variant of Uncertain Significance. Algorithms developed to predict the effect of missense changes on protein structure and function (SIFT, PolyPhen-2, Align-GVGD) all suggest that this variant is likely to be tolerated. ClinVar contains an entry for this variant (Variation ID: 1406999). This variant has not been reported in the literature in individuals affected with CACNA1H-related conditions. This variant is present in population databases (rs747987613, gnomAD 0.003%). This sequence change replaces leucine, which is neutral and non-polar, with valine, which is neutral and non-polar, at codon 669 of the CACNA1H protein (p.Leu669Val).

Fulgent Genetics
Classification: Uncertain significance for Epilepsy, childhood absence, susceptibility to, 6; Hyperaldosteronism, familial, type IV. Last evaluated: 2022-04-11. Review status: criteria provided, single submitter. Criteria: ACMG Guidelines, 2015. Collection method: clinical testing. Allele origin: unknown.

NM_021098.3(CACNA1H):c.2005C>G (p.Leu669Val)

Gene: CACNA1H (calcium voltage-gated channel subunit alpha1 H; plus strand). Cytogenetic location: 16p13.3.
Variant type: single nucleotide variant.
Coding change: c.2005C>G on transcript NM_021098.3 (MANE Select); coding-DNA position 2005, C replaced by G.
Protein change: p.Leu669Val; replaces leucine 669 with valine.
Molecular consequence: missense variant.
Genome position (GRCh38, 1-based): chr16:1,204,012, C>G. VCF-style: chr16-1204012-C-G. GRCh37 (hg19) VCF-style: chr16-1254012-C-G.
Other names: c.2005C>G, p.Leu669Val (NM_001005407.2); c.2005C>G (NM_021098.2); short protein forms L669V.
Identifiers: ClinVar variation 1406999 (VCV001406999.10), dbSNP rs747987613, ClinGen allele CA7800084.